The following is an entry in ClinVar:

NM_007144.3(PCGF2):c.1008C>G (p.Asn336Lys)

Genes: PCGF2 (polycomb group ring finger 2; minus strand), CISD3 (CDGSH iron sulfur domain 3; plus strand). Cytogenetic location: 17q12.
Variant type: single nucleotide variant.
Coding change: c.1008C>G on transcript NM_007144.3 (MANE Select); coding-DNA position 1008, C replaced by G.
Protein change: p.Asn336Lys; replaces asparagine 336 with lysine.
Molecular consequence: missense variant. On other transcripts: 3 prime UTR variant (1).
Genome position (GRCh38, 1-based): chr17:38,735,250, G>C on the plus strand (C>G on the coding strand, the complement: PCGF2 is on the minus strand). VCF-style: chr17-38735250-G-C. GRCh37 (hg19) VCF-style: chr17-36891503-G-C.
Other names: c.*1795G>C (NM_001136498.2); c.1008C>G, p.Asn336Lys (NM_001369614.1, NM_001369615.1); short protein forms N336K.
Identifiers: ClinVar variation 2024151 (VCV002024151.4), dbSNP rs1425563829, ClinGen allele CA398819345.

ClinVar aggregate classification (germline): Uncertain significance (1 of 4 stars; one submission).

gnomAD v4.1: 2 of 1,455,552 alleles (0.00014%); highest among the groups gnomAD compares: Non-Finnish European, 0.00018%; no homozygotes.

Submission:

Labcorp Genetics (formerly Invitae), Labcorp
Classification: Uncertain significance. Last evaluated: 2023-10-30. Review status: criteria provided, single submitter. Criteria: Invitae Variant Classification Sherloc (09022015). Collection method: clinical testing. Allele origin: germline.
Comment: This sequence change replaces asparagine, which is neutral and polar, with lysine, which is basic and polar, at codon 336 of the PCGF2 protein (p.Asn336Lys). This variant is not present in population databases (gnomAD no frequency). This variant has not been reported in the literature in individuals affected with PCGF2-related conditions. ClinVar contains an entry for this variant (Variation ID: 2024151). An algorithm developed to predict the effect of missense changes on protein structure and function (PolyPhen-2) suggests that this variant is likely to be disruptive. In summary, the available evidence is currently insufficient to determine the role of this variant in disease. Therefore, it has been classified as a Variant of Uncertain Significance.